The following is an entry in ClinVar:

ClinVar aggregate classification (germline): Conflicting classifications of pathogenicity. Review status: criteria provided, conflicting classifications (1 of 4 stars). 3 submissions from 2 submitters: Uncertain significance (2); Benign (1). Last evaluated 2018-01-13.

Conditions:
Familial hyperinsulinism. Also called: Congenital hyperinsulinism. Identifiers: Orphanet 276525, MedGen C3888018, MONDO:0017182. Disease mechanism: loss of function.
Maturity-onset diabetes of the young (MODY). Also called: Maturity onset diabetes mellitus in young. Identifiers: Orphanet 552, MedGen C0342276, MONDO:0018911, HP:0004904.
Maturity-onset diabetes of the young type 1. Also called: MILD JUVENILE DIABETES MELLITUS; MODY, type I; MODY type 1; Diabetes mellitus MODY type 1; MODY HNF4A related; HNF4A-Related Maturity-Onset Diabetes of the Young Type 1. Identifiers: Orphanet 552, MedGen C1852093, MONDO:0007452, OMIM 125850. Disease mechanism: loss of function.

Allele frequency attached by ClinVar (database versions not stated): gnomAD 0.00006 and 0.00008; TOPMed 0.00008; 1000 Genomes Project 30x 0.00031.

Submissions (3):

Illumina Laboratory Services, Illumina
Classification: Uncertain significance for Familial hyperinsulinism. Last evaluated: 2018-01-13. Review status: criteria provided, single submitter. Criteria: ICSL Variant Classification Criteria 13 December 2019. Collection method: clinical testing. Allele origin: germline.

Illumina Laboratory Services, Illumina
Classification: Uncertain significance for Maturity-onset diabetes of the young type 1. Last evaluated: 2018-01-13. Review status: criteria provided, single submitter. Criteria: ICSL Variant Classification Criteria 13 December 2019. Collection method: clinical testing. Allele origin: germline.

Clinical Genomics, Uppaluri K&H Personalized Medicine Clinic
Classification: Benign for Maturity-onset diabetes of the young. Review status: criteria provided, single submitter. Criteria: K & H Uppaluri Personalized Medicine Clinic Variant Classification & Assertion Criteria_Updated V.1. Collection method: research. Allele origin: unknown. Inheritance: Autosomal dominant inheritance.
Comment: Potent mutations in HNF4A are associated with poor insulin secretion in response to hyperglycemia. Associated with MODY1. Patients initially respond well to sulfonylureas but eventually become insulin dependent. However, more evidence is required to ascertain the role of this particular variant rs886056686 in MODY, yet.

Literature cited by the submitters: DOI 10.1159/000334532 (cited by Clinical Genomics, Uppaluri K&H Personalized Medicine Clinic); PubMed 18268044 (cited by Clinical Genomics, Uppaluri K&H Personalized Medicine Clinic); PubMed 17563455 (cited by Clinical Genomics, Uppaluri K&H Personalized Medicine Clinic); PubMed 32583173 (cited by Clinical Genomics, Uppaluri K&H Personalized Medicine Clinic); PubMed 35052457 (cited by Clinical Genomics, Uppaluri K&H Personalized Medicine Clinic); PubMed 35118593 (cited by Clinical Genomics, Uppaluri K&H Personalized Medicine Clinic).

NM_175914.5(HNF4A):c.*1821C>T

Gene: HNF4A (hepatocyte nuclear factor 4 alpha; plus strand). Cytogenetic location: 20q13.12.
Variant type: single nucleotide variant.
Coding change: c.*1821C>T on transcript NM_175914.5 (MANE Select); 1821 bases downstream of the stop codon, C replaced by T.
Molecular consequence: 3 prime UTR variant.
Genome position (GRCh38, 1-based): chr20:44,431,486, C>T. VCF-style: chr20-44431486-C-T. GRCh37 (hg19) VCF-style: chr20-43060126-C-T.
Other names: c.*1821C>T (NM_000457.6, NM_001030003.3, NM_001258355.2 and 3 more transcripts).
Identifiers: ClinVar variation 338462 (VCV000338462.6), dbSNP rs886056686, ClinGen allele CA10653126.